The following is an entry in ClinVar:

ClinVar aggregate classification (germline): Likely benign (0 of 4 stars; one submission).

Conditions:
KCNQ1-related disorder. Also called: KCNQ1-related condition; KCNQ1-related disorders. Identifiers: MedGen CN239322.

Allele frequency attached by ClinVar (database versions not stated): gnomAD exomes 0.00007; 1000 Genomes Project 30x 0.00016; gnomAD 0.00044; TOPMed 0.00047.
gnomAD v4.1: 83 of 398,392 alleles (0.021%); highest among the groups gnomAD compares: African/African-American, 0.15%; no homozygotes.

Submission:

PreventionGenetics, part of Exact Sciences
Classification: Likely benign for KCNQ1-related condition. Last evaluated: 2023-04-24. Review status: no assertion criteria provided. Collection method: clinical testing. Allele origin: germline.
Comment: This variant is classified as likely benign based on ACMG/AMP sequence variant interpretation guidelines (Richards et al. 2015 PMID: 25741868, with internal and published modifications).

NM_000218.3(KCNQ1):c.1393+32792C>G

Genes: KCNQ1 (potassium voltage-gated channel subfamily Q member 1; plus strand), KCNQ1OT1 (KCNQ1 opposite strand/antisense transcript 1; minus strand). Cytogenetic location: 11p15.5.
Variant type: single nucleotide variant.
Coding change: c.1393+32792C>G on transcript NM_000218.3 (MANE Select); 32792 bases into the intron after coding-DNA position 1393, C replaced by G.
Molecular consequence: intron variant. On other transcripts: non-coding transcript variant (1).
Genome position (GRCh38, 1-based): chr11:2,621,646, C>G. VCF-style: chr11-2621646-C-G. GRCh37 (hg19) VCF-style: chr11-2642876-C-G.
Other names: c.1123+32792C>G (NM_001406837.1); c.1297+32792C>G (NM_001406836.1); c.853+32792C>G (NM_001406838.1); c.1012+32792C>G (NM_181798.2).
Identifiers: ClinVar variation 3061515 (VCV003061515.2), dbSNP rs559902211, ClinGen allele CA216362831.